The following is an entry in ClinVar:

NM_001267550.2(TTN):c.46945T>G (p.Phe15649Val)

Genes: TTN (titin; minus strand), TTN-AS1 (TTN antisense RNA 1; plus strand). Cytogenetic location: 2q31.2.
Variant type: single nucleotide variant.
Coding change: c.46945T>G on transcript NM_001267550.2 (MANE Select); coding-DNA position 46945, T replaced by G.
Protein change: p.Phe15649Val; replaces phenylalanine 15649 with valine.
Molecular consequence: missense variant.
Genome position (GRCh38, 1-based): chr2:178,618,605, A>C on the plus strand (T>G on the coding strand, the complement: TTN is on the minus strand). VCF-style: chr2-178618605-A-C. GRCh37 (hg19) VCF-style: chr2-179483332-A-C.
Other names: c.42022T>G, p.Phe14008Val (NM_001256850.1); c.19750T>G, p.Phe6584Val (NM_003319.4); c.39241T>G, p.Phe13081Val (NM_133378.4); c.20125T>G, p.Phe6709Val (NM_133432.3); c.20326T>G, p.Phe6776Val (NM_133437.4); short protein forms F13081V, F14008V, F15649V, F6584V, F6709V, F6776V.
Identifiers: ClinVar variation 2505347 (VCV002505347.2), dbSNP rs563370509, ClinGen allele CA349621262.

ClinVar aggregate classification (germline): Uncertain significance (1 of 4 stars; one submission).

Conditions:
Hypertrophic cardiomyopathy 9. Also called: Familial hypertrophic cardiomyopathy 9. Identifiers: MedGen C1861065, MONDO:0013412, OMIM 613765.

Submission:

Diagnostics Services (NGS), CSIR - Centre For Cellular And Molecular Biology
Classification: Uncertain significance for Hypertrophic cardiomyopathy 9. Last evaluated: 2023-06-01. Review status: criteria provided, single submitter. Criteria: ACMG Guidelines, 2015. Collection method: clinical testing. Allele origin: unknown. Affected: yes. Observed: 1 variant allele, 1 heterozygote.
Comment: The c.46945T>G variant is not present in publicly available population databases like 1000 Genomes, ExAC, EVS, Indian Exome Database or our in-house exome database. The variant has neither been published in literature nor reported to clinical databases like ClinVar, Human Gene Mutation Database (HGMD) or OMIM, in any affected individuals. In-silico pathogenicity prediction programs like SIFT, PolyPhen-2, MutationTaster2, CADD etc predicted this variant to be likely deleterious, however these predictions were not confirmed by published functional studies.